The following is an entry in ClinVar:

NM_002439.5(MSH3):c.1264C>T (p.Gln422Ter)

Gene: MSH3 (mutS homolog 3; plus strand). Cytogenetic location: 5q14.1.
Variant type: single nucleotide variant.
Coding change: c.1264C>T on transcript NM_002439.5 (MANE Select); coding-DNA position 1264, C replaced by T.
Protein change: p.Gln422Ter; replaces glutamine 422 with a stop codon.
Molecular consequence: nonsense.
Genome position (GRCh38, 1-based): chr5:80,679,017, C>T. VCF-style: chr5-80679017-C-T. GRCh37 (hg19) VCF-style: chr5-79974836-C-T.
Other names: short protein forms Q422*.
Identifiers: ClinVar variation 818733 (VCV000818733.15), dbSNP rs1580556516, ClinGen allele CA360269001.
Genomic context (GRCh38, chr5:80,679,017, plus strand): 5'-TTTGATAGTTTCCAGGACTCTGCTTCTCGTTCAGAGCTAGAAACCCGGATGTCAAGCCTG[C>T]AGCCAGTAGAGCTGCTGCTTCCTTCGGCCTTGTCCGAGCAAACAGAGGCGCTCATCCACA-3'

ClinVar aggregate classification (germline): Pathogenic/Likely pathogenic. Review status: criteria provided, multiple submitters, no conflicts (2 of 4 stars). 4 submissions from 4 submitters: Pathogenic (3); Likely pathogenic (1). Last evaluated 2025-01-14.

Conditions:
Hereditary cancer-predisposing syndrome. Also called: Tumor predisposition; Hereditary neoplastic syndrome; Neoplastic Syndromes, Hereditary; Hereditary Cancer Syndrome. Identifiers: Orphanet 140162, MedGen C0027672, MeSH D009386, MONDO:0015356.
Endometrial carcinoma. Also called: Endometrial carcinoma, somatic. Identifiers: MedGen C0476089, MONDO:0002447, OMIM 608089, HP:0012114.
Familial adenomatous polyposis 4 (FAP4). Also called: MSH3-related attenuated familial adenomatous polyposis. Identifiers: Orphanet 480536, MedGen C4310719, MONDO:0044300, OMIM 617100.

Allele frequency attached by ClinVar (database versions not stated): gnomAD exomes below 0.00001.

Submissions (4):

Ambry Genetics
Classification: Pathogenic for Hereditary cancer-predisposing syndrome. Last evaluated: 2025-01-14. Review status: criteria provided, single submitter. Criteria: Ambry Variant Classification Scheme 2023. Collection method: clinical testing. Allele origin: germline.
Comment: The p.Q422* variant (also known as c.1264C>T), located in coding exon 8 of the MSH3 gene, results from a C to T substitution at nucleotide position 1264. This changes the amino acid from a glutamine to a stop codon within coding exon 8. This variant is considered to be rare based on population cohorts in the Genome Aggregation Database (gnomAD). This alteration is expected to result in loss of function by premature protein truncation or nonsense-mediated mRNA decay. As such, this alteration is interpreted as a disease-causing mutation.

Myriad Genetics, Inc.
Classification: Pathogenic for Familial adenomatous polyposis 4. Last evaluated: 2023-08-29. Review status: criteria provided, single submitter. Criteria: Myriad Autosomal Dominant, Autosomal Recessive and X-Linked Classification Criteria (2023). Collection method: clinical testing. Allele origin: unknown.
Comment: This variant is considered pathogenic. This variant creates a termination codon and is predicted to result in premature protein truncation.

Baylor Genetics
Classification: Likely pathogenic for Endometrial carcinoma. Last evaluated: 2022-03-31. Review status: criteria provided, single submitter. Criteria: ACMG Guidelines, 2015. Collection method: clinical testing. Allele origin: unknown.

Labcorp Genetics (formerly Invitae), Labcorp
Classification: Pathogenic. Last evaluated: 2021-06-02. Review status: criteria provided, single submitter. Criteria: Invitae Variant Classification Sherloc (09022015). Collection method: clinical testing. Allele origin: germline.
Comment: For these reasons, this variant has been classified as Pathogenic. Loss-of-function variants in MSH3 are known to be pathogenic (PMID: 27476653). This variant has not been reported in the literature in individuals with MSH3-related conditions. This variant is not present in population databases (ExAC no frequency). This sequence change creates a premature translational stop signal (p.Gln422*) in the MSH3 gene. It is expected to result in an absent or disrupted protein product.

Literature cited by the submitters: PubMed 27476653 (cited by Labcorp Genetics (formerly Invitae), Labcorp).